The following is an entry in ClinVar:

GRCh38/hg38 15q11.2(chr15:22726969-23066575)x3

Genes: CYFIP1 (cytoplasmic FMR1 interacting protein 1; minus strand), NIPA1 (NIPA magnesium transporter 1; plus strand), NIPA2 (NIPA magnesium transporter 2; plus strand), TUBGCP5 (tubulin gamma complex component 5; minus strand), LOC112272575 (Sharpr-MPRA regulatory region 8478; plus strand) and 14 more. Cytogenetic location: 15q11.2.
Variant type: copy number gain.
Change: copy number 3 (three copies instead of two) of chr15:22,726,969-23,066,575 (339.6 kb, GRCh38 coordinates, 1-based), cytogenetic band 15q11.2.
Identifiers: ClinVar variation 161050 (VCV000161050.1).

ClinVar aggregate classification (germline): Uncertain significance (1 of 4 stars; one submission).

Submission:

ISCA site 4
Classification: Uncertain significance. Last evaluated: 2011-08-12. Review status: criteria provided, single submitter. Criteria: Kaminsky et al. (Genet Med. 2011). Collection method: clinical testing. Allele origin: unknown. Affected: yes. Observed: 1 variant allele.
Comment: Copy number variation identified through the course of routine clinical cytogenomic testing in postnatal populations. Clinical assertions have been curated as described in Kaminsky et al. 2011.